The following is an entry in ClinVar:

ClinVar aggregate classification (germline): Uncertain significance (1 of 4 stars; one submission).

Conditions:
Congenital diarrhea 6. Identifiers: Orphanet 314373, MedGen C3553270, MONDO:0013825, OMIM 614616.

Submission:

3billion
Classification: Uncertain significance for Congenital diarrhea 6. Last evaluated: 2022-03-22. Review status: criteria provided, single submitter. Criteria: ACMG Guidelines, 2015. Collection method: clinical testing. Allele origin: germline. Affected: yes. Observed: 1 heterozygote.
Comment: The variant is not observed in the gnomAD v2.1.1 dataset. In silico tool predictions suggest damaging effect of the variant on gene or gene product (REVEL: 0.89>=0.6, 3CNET: 0.8>=0.75). A missense variant is a common mechanism . Therefore, this variant is classified as uncertain significance according to the recommendation of ACMG/AMP guideline.

NM_004963.4(GUCY2C):c.2356T>C (p.Tyr786His)

Gene: GUCY2C (guanylate cyclase 2C; minus strand). Cytogenetic location: 12p12.3.
Variant type: single nucleotide variant.
Coding change: c.2356T>C on transcript NM_004963.4 (MANE Select); coding-DNA position 2356, T replaced by C.
Protein change: p.Tyr786His; replaces tyrosine 786 with histidine.
Molecular consequence: missense variant.
Genome position (GRCh38, 1-based): chr12:14,625,809, A>G on the plus strand (T>C on the coding strand, the complement: GUCY2C is on the minus strand). VCF-style: chr12-14625809-A-G. GRCh37 (hg19) VCF-style: chr12-14778743-A-G.
Other names: short protein forms Y786H.
Identifiers: ClinVar variation 1526101 (VCV001526101.1), dbSNP rs2136990175, ClinGen allele CA383997268.